The following is an entry in ClinVar:

NM_001039141.3(TRIOBP):c.2062del (p.Ser688fs)

Gene: TRIOBP (TRIO and F-actin binding protein; plus strand). Cytogenetic location: 22q13.1.
Variant type: Deletion.
Coding change: c.2062del on transcript NM_001039141.3 (MANE Select); coding-DNA position 2062, one base deleted (A; older notation c.2062delA).
Protein change: p.Ser688fs; shifts the reading frame from serine 688.
Molecular consequence: frameshift variant.
Genome position (GRCh38, 1-based): chr22:37,724,618, A deleted. VCF-style (leftmost placement, unchanged base first): chr22-37724617-CA-C. GRCh37 (hg19) VCF-style: chr22-38120624-CA-C.
Other names: c.2062delA (NM_001039141.3); short protein forms S688fs.
Identifiers: ClinVar variation 4845778 (VCV004845778.1).

ClinVar aggregate classification (germline): Likely pathogenic (1 of 4 stars; one submission).

Conditions:
Autosomal recessive nonsyndromic hearing loss 28. Identifiers: Orphanet 90636, MedGen C1853276, MONDO:0012355, OMIM 609823.

Submission:

First Genomix Gene Laboratory, Genetic Diagnostics Department
Classification: Likely pathogenic for Autosomal recessive nonsyndromic hearing loss 28. Last evaluated: 2025-03-14. Review status: criteria provided, single submitter. Criteria: ACMG Guidelines, 2015. Collection method: clinical testing. Allele origin: germline. Inheritance: Autosomal recessive inheritance. Affected: no. Observed: 1 variant allele.